The following is an entry in ClinVar:

ClinVar aggregate classification (germline): Uncertain significance. Review status: criteria provided, multiple submitters, no conflicts (2 of 4 stars). 2 submissions from 2 submitters: Uncertain significance (2). Last evaluated 2025-09-28.

Conditions:
Inborn genetic diseases. Identifiers: MedGen C0950123, MeSH D030342.

Allele frequency attached by ClinVar (database versions not stated): gnomAD exomes 0.00001 and below 0.00001; gnomAD 0.00003; TOPMed 0.00002; ExAC 0.00001.
gnomAD v4.1: 21 of 1,613,038 alleles (0.0013%); highest among the groups gnomAD compares: African/African-American, 0.0027%; no homozygotes.

Submissions (2):

Ambry Genetics
Classification: Uncertain significance for Inborn genetic diseases. Last evaluated: 2025-09-28. Review status: criteria provided, single submitter. Criteria: Ambry Variant Classification Scheme 2023. Collection method: clinical testing. Allele origin: germline.

Labcorp Genetics (formerly Invitae), Labcorp
Classification: Uncertain significance. Last evaluated: 2021-07-08. Review status: criteria provided, single submitter. Criteria: Invitae Variant Classification Sherloc (09022015). Collection method: clinical testing. Allele origin: germline.
Comment: In summary, the available evidence is currently insufficient to determine the role of this variant in disease. Therefore, it has been classified as a Variant of Uncertain Significance. Algorithms developed to predict the effect of missense changes on protein structure and function are either unavailable or do not agree on the potential impact of this missense change (SIFT: "Deleterious"; PolyPhen-2: "Probably Damaging"; Align-GVGD: "Class C0"). This variant has not been reported in the literature in individuals with LRRK1-related conditions. This variant is present in population databases (rs777438481, ExAC 0.009%). This sequence change replaces leucine with proline at codon 452 of the LRRK1 protein (p.Leu452Pro). The leucine residue is moderately conserved and there is a moderate physicochemical difference between leucine and proline.

NM_024652.6(LRRK1):c.1355T>C (p.Leu452Pro)

Gene: LRRK1 (leucine rich repeat kinase 1; plus strand). Cytogenetic location: 15q26.3.
Variant type: single nucleotide variant.
Coding change: c.1355T>C on transcript NM_024652.6 (MANE Select); coding-DNA position 1355, T replaced by C.
Protein change: p.Leu452Pro; replaces leucine 452 with proline.
Molecular consequence: missense variant.
Genome position (GRCh38, 1-based): chr15:101,012,081, T>C. VCF-style: chr15-101012081-T-C. GRCh37 (hg19) VCF-style: chr15-101552286-T-C.
Other names: c.1355T>C (NM_024652.3); short protein forms L452P.
Identifiers: ClinVar variation 1435755 (VCV001435755.7), dbSNP rs777438481, ClinGen allele CA7760859.